The following is an entry in ClinVar:

ClinVar aggregate classification (germline): Benign. Review status: reviewed by expert panel (3 of 4 stars). 6 submissions from 6 submitters: Benign (1). 5 of the submissions do not count toward it. Last evaluated 2025-05-20.

Conditions:
RPGR-related retinopathy. Also called: RPGR retinopathy. Identifiers: MedGen CN305589, MONDO:0100437.
Primary ciliary dyskinesia. Also called: Ciliary dyskinesia. Identifiers: Orphanet 244, MedGen C0008780, MONDO:0016575, HP:0012265.

Submissions (6):

ClinGen X-linked Inherited Retinal Disease Variant Curation Expert Panel, ClinGen
Classification: Benign for RPGR-related retinopathy. Last evaluated: 2025-05-20. Review status: reviewed by expert panel. Criteria: ClinGen X LinkedIRD ACMG Specifications RPGR V1.0.0. Collection method: curation. Allele origin: germline. Inheritance: X-linked inheritance.
Comment: NM_001034853.2(RPGR):c.2667_2669del (p.Glu890del) is a short in-frame deletion of 3 base pairs that encode amino acid 890 within a low-complexity region (PMID: 27162334) that extends approximately from amino acids 787–1043 in RPGR (BP3). This variant is present in gnomAD v.4.1.0 at a frequency of 0.1323 among hemizygous individuals, with 6,699 variant alleles / 50,616 total alleles, which is higher than the ClinGen X-linked IRD VCEP BA1 threshold of >0.00005 (BA1). In summary, this variant is classified as benign for RPGR-related retinopathy based on the ClinGen X-linked Inherited Retinal Disease Expert Panel Specifications to the ACMG/AMP Variant Interpretation Guidelines for RPGR Version 1.0.0; BA1 and BP3. (date of approval 05/16/2025).

Labcorp Genetics (formerly Invitae), Labcorp
Classification: Benign for Primary ciliary dyskinesia. Last evaluated: 2026-02-04. Review status: criteria provided, single submitter. Criteria: Invitae Variant Classification Sherloc (09022015). Collection method: clinical testing. Allele origin: germline. Not counted in ClinVar's aggregate classification.

Blueprint Genetics
Classification: Likely benign. Last evaluated: 2024-11-28. Review status: criteria provided, single submitter. Criteria: ACMG Guidelines, 2015. Collection method: clinical testing. Allele origin: germline. Not counted in ClinVar's aggregate classification.

GeneDx
Classification: Likely benign. Last evaluated: 2019-08-12. Review status: criteria provided, single submitter. Criteria: GeneDx Variant Classification Process June 2021. Collection method: clinical testing. Allele origin: germline. Affected: yes. Not counted in ClinVar's aggregate classification.

Laboratory for Molecular Medicine, Mass General Brigham Personalized Medicine
Classification: Benign. Last evaluated: 2016-03-28. Review status: criteria provided, single submitter. Criteria: LMM Criteria. Collection method: clinical testing. Allele origin: germline. Not counted in ClinVar's aggregate classification.
Comment: Variant identified in a genome or exome case(s) and assessed due to predicted null impact of the variant or pathogenic assertions in the literature or databases. Disclaimer: This variant has not undergone full assessment. The following are preliminary notes: MAF

PreventionGenetics, part of Exact Sciences
Classification: Benign. Last evaluated: 2016-01-29. Review status: criteria provided, single submitter. Criteria: ACMG Guidelines, 2015. Collection method: clinical testing. Allele origin: germline. Not counted in ClinVar's aggregate classification.

NM_001034853.2(RPGR):c.2667_2669del (p.Glu890del)

Gene: RPGR (retinitis pigmentosa GTPase regulator; minus strand). Cytogenetic location: Xp11.4.
Variant type: Deletion.
Coding change: c.2667_2669del on transcript NM_001034853.2 (MANE Select); coding-DNA positions 2667 to 2669, 3 bases deleted (GGA; older notation c.2667_2669delGGA).
Protein change: p.Glu890del; deletes glutamic acid 890.
Molecular consequence: inframe deletion. On other transcripts: intron variant (8).
Genome position (GRCh38, 1-based): chrX:38,286,330-38,286,332, TCC deleted on the plus strand (GGA on the coding strand, the reverse complement: RPGR is on the minus strand); deleting any 3 consecutive bases within chrX:38,286,330-38,286,334 gives the same sequence; the c. name uses the placement nearest the transcript's 3' end. VCF-style (leftmost placement, unchanged base first): chrX-38286329-TTCC-T. GRCh37 (hg19) VCF-style: chrX-38145582-TTCC-T.
Other names: NM_001034853.2(RPGR):c.2667_2669del; c.1569+4627_1569+4629del (NM_001367249.1, NM_001367250.1); c.1902+762_1902+764del (NM_001367245.1); c.1386+4627_1386+4629del (NM_001367251.1); c.1719+762_1719+764del (NM_001367246.1); c.1572+4627_1572+4629del (NM_001367247.1); c.1905+762_1905+764del (NM_000328.3); c.1602+4627_1602+4629del (NM_001367248.1); and 1 more; short protein forms E890del.
Identifiers: ClinVar variation 257196 (VCV000257196.17), dbSNP rs199663434, ClinGen allele CA10385255.
Genomic context (GRCh38, chrX:38,286,329, plus strand): 5'-CCCTTCTCCTTCCTCTTCTCCCTCCCCTTCTCCTTCCTCCTCTTCTCCCTCCCCTTCTCC[TTCC>T]TCTTCTCCCTCCCCTTCTCCTTCCTCCTCTTCCCCCTCCCCTTCTCCTTCCTCCCCTTCT-3'